The following is an entry in ClinVar:

GRCh38/hg38 3q12.2(chr3:100641848-100725206)x4

Genes: ADGRG7 (adhesion G protein-coupled receptor G7; plus strand), TFG (trafficking from ER to golgi regulator; plus strand), LOC129937149 (ATAC-STARR-seq lymphoblastoid active region 20162; plus strand), LOC129937150 (ATAC-STARR-seq lymphoblastoid active region 20163; plus strand). Cytogenetic location: 3q12.2.
Variant type: copy number gain.
Change: copy number 4 of chr3:100,641,848-100,725,206 (83.4 kb, GRCh38 coordinates, 1-based), cytogenetic band 3q12.2.
Identifiers: ClinVar variation 144848 (VCV000144848.1).

ClinVar aggregate classification (germline): Benign/Likely benign (0 of 4 stars; one submission).

Submission:

GeneDx
Classification: Benign/Likely benign. Last evaluated: 2011-04-30. Review status: no assertion criteria provided. Collection method: clinical testing. Allele origin: not provided. Affected: yes. Observed: 7 variant alleles. Clinical features observed: Developmental delay AND/OR other significant developmental or morphological phenotypes.
Comment: Likely benign (1), Benign (6)